The following is an entry in ClinVar:

NM_002386.4(MC1R):c.496dup (p.Ala166fs)

Gene: MC1R (melanocortin 1 receptor; plus strand). Cytogenetic location: 16q24.3.
Variant type: Duplication.
Coding change: c.496dup on transcript NM_002386.4 (MANE Select); coding-DNA position 496, one base duplicated (G; older notation c.496dupG).
Protein change: p.Ala166fs; shifts the reading frame from alanine 166.
Molecular consequence: frameshift variant.
Genome position (GRCh38, 1-based): chr16:89,919,754, G duplicated. VCF-style (leftmost placement, unchanged base first): chr16-89919753-T-TG. GRCh37 (hg19) VCF-style: chr16-89986161-T-TG.
Other names: c.496dupG (NM_002386.3); short protein forms A166fs.
Identifiers: ClinVar variation 321429 (VCV000321429.16), dbSNP rs780875127, ClinGen allele CA8255624.

ClinVar aggregate classification (germline): Uncertain significance. Review status: criteria provided, multiple submitters, no conflicts (2 of 4 stars). 2 submissions from 2 submitters: Uncertain significance (2). Last evaluated 2024-05-26.

Conditions:
Melanoma, cutaneous malignant, susceptibility to, 5. Also called: Cutaneous malignant melanoma 5. Identifiers: Orphanet 618, MedGen C2751295, MONDO:0013133, OMIM 613099.

Allele frequency attached by ClinVar (database versions not stated): gnomAD exomes 0.00001 and 0.00002; ExAC 0.00002; gnomAD 0.00002; TOPMed 0.00002; ESP Exome Variant Server 0.00008.

Submissions (2):

Labcorp Genetics (formerly Invitae), Labcorp
Classification: Uncertain significance for Melanoma, cutaneous malignant, susceptibility to, 5. Last evaluated: 2024-05-26. Review status: criteria provided, single submitter. Criteria: Invitae Variant Classification Sherloc (09022015). Collection method: clinical testing. Allele origin: germline.
Comment: This sequence change creates a premature translational stop signal (p.Ala166Glyfs*73) in the MC1R gene. While this is not anticipated to result in nonsense mediated decay, it is expected to disrupt the last 152 amino acid(s) of the MC1R protein. This variant is present in population databases (rs780875127, gnomAD 0.003%). This premature translational stop signal has been observed in individual(s) with malignant melanoma (PMID: 19269164). ClinVar contains an entry for this variant (Variation ID: 321429). In summary, the available evidence is currently insufficient to determine the role of this variant in disease. Therefore, it has been classified as a Variant of Uncertain Significance.

Genomic Research Center, Shahid Beheshti University of Medical Sciences
Classification: Uncertain significance for Melanoma, cutaneous malignant, susceptibility to, 5. Last evaluated: 2017-12-18. Review status: criteria provided, single submitter. Criteria: ACMG Guidelines, 2015. Collection method: clinical testing. Allele origin: inherited. Affected: yes.

Literature cited by the submitters: PubMed 19269164 (cited by Labcorp Genetics (formerly Invitae), Labcorp).